The following is an entry in ClinVar:

NM_014003.4(DHX38):c.2263-3C>T

Gene: DHX38 (DEAH-box helicase 38; plus strand). Cytogenetic location: 16q22.2.
Variant type: single nucleotide variant.
Coding change: c.2263-3C>T on transcript NM_014003.4 (MANE Select); 3 bases into the intron before coding-DNA position 2263, C replaced by T.
Molecular consequence: intron variant.
Genome position (GRCh38, 1-based): chr16:72,105,229, C>T. VCF-style: chr16-72105229-C-T. GRCh37 (hg19) VCF-style: chr16-72139128-C-T.
Identifiers: ClinVar variation 1046517 (VCV001046517.4), dbSNP rs2042158550, ClinGen allele CA978804480.

ClinVar aggregate classification (germline): Uncertain significance (1 of 4 stars; one submission).

Allele frequency attached by ClinVar (database versions not stated): gnomAD 0.00001; TOPMed 0.00001.
gnomAD v4.1: 1 of 1,613,972 alleles (0.000062%); highest among the groups gnomAD compares: Admixed American, 0.0017%; no homozygotes.

Submission:

Labcorp Genetics (formerly Invitae), Labcorp
Classification: Uncertain significance. Last evaluated: 2020-10-01. Review status: criteria provided, single submitter. Criteria: Invitae Variant Classification Sherloc (09022015). Collection method: clinical testing. Allele origin: germline.
Comment: This sequence change falls in intron 16 of the DHX38 gene. It does not directly change the encoded amino acid sequence of the DHX38 protein, but it affects a nucleotide within the consensus splice site of the intron. This variant is not present in population databases (ExAC no frequency). This variant has not been reported in the literature in individuals with DHX38-related conditions. Nucleotide substitutions within the consensus splice site are a relatively common cause of aberrant splicing (PMID: 17576681, 9536098). Algorithms developed to predict the effect of sequence changes on RNA splicing suggest that this variant is not likely to affect RNA splicing, but this prediction has not been confirmed by published transcriptional studies. In summary, the available evidence is currently insufficient to determine the role of this variant in disease. Therefore, it has been classified as a Variant of Uncertain Significance.

Literature cited by the submitters: PubMed 17576681; PubMed 9536098.